The following is an entry in ClinVar:

ClinVar aggregate classification (germline): not provided (0 of 4 stars; one submission).

Conditions:
Small for gestational age. Also called: Low birth weight. Identifiers: MedGen C0235991, HP:0001518.

Submission:

Institute of Molecular and Cell Biology, University of Tartu
No classification provided. Condition: Small for gestational age. Review status: no classification provided. Collection method: case-control. Allele origin: unknown. Affected: yes. Study: Kasak2014.
Comment: The study aimed to determine the contribution of copy number variants in the genetic etiology of normal and complicated pregnancies. The samples represented (i) maternal blood DNA drawn from healthy pregnant women during 1st or 2nd trimester and (ii) maternal and paternal blood DNA drawn at term pregnancy cases representing normal and complicated gestations (severe preeclampsia, PE; gestational diabetes, GD; small-for-gestational age newborn, SGA; large-for-gestational age newborn, LGA). We performed CNV calling based on genome-wide genotyping dataset (Illumina HumanOmniExpress-24-v1 BeadChip) by applying three algorithms, QuantiSNP, GADA (Genome Alteration Detection Algorithm) and CNstream in parallel. The acquired CNV calls were merged with HD-CNV (Hotspot Detector for Copy Number Variants) program and only the CNVs predicted by at least two programs, were considered in subsequent analysis.

Literature cited by the submitters: PubMed 25666259.

NC_000003.12:g.8788186_8816277dup

Variant type: Duplication.
Identifiers: ClinVar variation 156840 (VCV000156840.2).